The following is an entry in ClinVar:

NM_001378454.1(ALMS1):c.3839C>G (p.Ala1280Gly)

Gene: ALMS1 (ALMS1 centrosome and basal body associated protein; plus strand). Cytogenetic location: 2p13.1.
Variant type: single nucleotide variant.
Coding change: c.3839C>G on transcript NM_001378454.1 (MANE Select); coding-DNA position 3839, C replaced by G.
Protein change: p.Ala1280Gly; replaces alanine 1280 with glycine.
Molecular consequence: missense variant.
Genome position (GRCh38, 1-based): chr2:73,450,366, C>G. VCF-style: chr2-73450366-C-G. GRCh37 (hg19) VCF-style: chr2-73677493-C-G.
Other names: c.3842C>G, p.Ala1281Gly (NM_015120.4); short protein forms A1280G, A1281G.
Identifiers: ClinVar variation 1735447 (VCV001735447.6), dbSNP rs1017054461, ClinGen allele CA50392884.
Genomic context (GRCh38, chr2:73,450,366, plus strand): 5'-AAGAGGCTCTGAAAATTTCAGTTGCCTCTGAACCAGTTGACCAGACAACTGGCACACCAG[C>G]TGTAACCTCTACTTCCTACTCACAATATAGAGAGAAGCCCAGCATTTTCTACCAACAGTC-3'
Protein context (NP_001365383.1, residues 1270-1290): EPVDQTTGTP[Ala1280Gly]VTSTSYSQYR

ClinVar aggregate classification (germline): Conflicting classifications of pathogenicity. Review status: criteria provided, conflicting classifications (1 of 4 stars). 2 submissions from 2 submitters: Uncertain significance (1); Likely benign (1). Last evaluated 2024-11-15.

Conditions:
Cardiovascular phenotype. Identifiers: MedGen CN230736.
Alstrom syndrome (ALMS). Identifiers: Orphanet 64, MedGen C0268425, MONDO:0008763, OMIM 203800.

Allele frequency attached by ClinVar (database versions not stated): gnomAD exomes 0.00001; gnomAD 0.00005; TOPMed 0.00005.
gnomAD v4.1: 15 of 1,613,252 alleles (0.00093%); highest among the groups gnomAD compares: African/African-American, 0.02%; no homozygotes.

Submissions (2):

Ambry Genetics
Classification: Likely benign for Cardiovascular phenotype. Last evaluated: 2024-11-15. Review status: criteria provided, single submitter. Criteria: Ambry Variant Classification Scheme 2023. Collection method: clinical testing. Allele origin: germline.

Labcorp Genetics (formerly Invitae), Labcorp
Classification: Uncertain significance for Alstrom syndrome. Last evaluated: 2022-10-17. Review status: criteria provided, single submitter. Criteria: Invitae Variant Classification Sherloc (09022015). Collection method: clinical testing. Allele origin: germline.
Comment: This sequence change replaces alanine, which is neutral and non-polar, with glycine, which is neutral and non-polar, at codon 1281 of the ALMS1 protein (p.Ala1281Gly). This variant is present in population databases (no rsID available, gnomAD 0.02%). This variant has not been reported in the literature in individuals affected with ALMS1-related conditions. Experimental studies and prediction algorithms are not available or were not evaluated, and the functional significance of this variant is currently unknown. In summary, the available evidence is currently insufficient to determine the role of this variant in disease. Therefore, it has been classified as a Variant of Uncertain Significance.